The following is an entry in ClinVar:

NM_138383.3(MTSS2):c.831-2A>G

Gene: MTSS2 (MTSS I-BAR domain containing 2; minus strand). Cytogenetic location: 16q22.1.
Variant type: single nucleotide variant.
Coding change: c.831-2A>G on transcript NM_138383.3 (MANE Select); the canonical splice acceptor site of the intron before coding-DNA position 831, A replaced by G.
Molecular consequence: splice acceptor variant.
Genome position (GRCh38, 1-based): chr16:70,674,530, T>C on the plus strand (A>G on the coding strand, the complement: MTSS2 is on the minus strand). VCF-style: chr16-70674530-T-C. GRCh37 (hg19) VCF-style: chr16-70708433-T-C.
Identifiers: ClinVar variation 4813407 (VCV004813407.1).

ClinVar aggregate classification (germline): Uncertain significance (1 of 4 stars; one submission).

gnomAD v4.1: 4 of 1,611,748 alleles (0.00025%); highest among the groups gnomAD compares: African/African-American, 0.0013%; no homozygotes.

Submission:

GeneDx
Classification: Uncertain significance. Last evaluated: 2025-09-12. Review status: criteria provided, single submitter. Criteria: GeneDx Variant Classification Process June 2021. Collection method: clinical testing. Allele origin: germline. Affected: yes.
Comment: Not observed at significant frequency in large population cohorts (gnomAD); Has not been previously published as pathogenic or benign to our knowledge; Canonical splice site variant in a gene for which loss-of-function is not an established mechanism of disease